The following is an entry in ClinVar:

ClinVar aggregate classification (germline): Likely benign (1 of 4 stars; one submission).

gnomAD v4.1: 196 of 1,605,424 alleles (0.012%); highest among the groups gnomAD compares: African/African-American, 0.24%; no homozygotes.

Submission:

CeGaT Center for Human Genetics Tuebingen
Classification: Likely benign. Last evaluated: 2026-02-01. Review status: criteria provided, single submitter. Criteria: CeGaT Center For Human Genetics Tuebingen Variant Classification Criteria Version 2. Collection method: clinical testing. Allele origin: germline. Affected: yes. Observed: 1 variant allele.
Comment: TMPRSS13: BP4, BP7

NM_001077263.3(TMPRSS13):c.18C>T (p.His6=)

Gene: TMPRSS13 (transmembrane serine protease 13; minus strand). Cytogenetic location: 11q23.3.
Variant type: single nucleotide variant.
Coding change: c.18C>T on transcript NM_001077263.3 (MANE Select); coding-DNA position 18, C replaced by T.
Protein change: p.His6=; no amino-acid change (histidine 6 retained).
Molecular consequence: synonymous variant.
Genome position (GRCh38, 1-based): chr11:117,929,290, G>A on the plus strand (C>T on the coding strand, the complement: TMPRSS13 is on the minus strand). VCF-style: chr11-117929290-G-A. GRCh37 (hg19) VCF-style: chr11-117800005-G-A.
Other names: c.18C>T, p.His6= (NM_001206789.2, NM_001206790.2, NM_001244995.2).
Identifiers: ClinVar variation 4821475 (VCV004821475.4).
Genomic context (GRCh38, chr11:117,929,290, plus strand): 5'-CAGCCCTGCTTCCTCAGCGCTGGGAGAATCTGGCCCGAGGCCTGAGGTCACACTCACCCC[G>A]TGGCTGTCCCTCTCCATGGTCTCTGAGGGGAAGAGTCCTCCAGGCTTAGCTGATGTCGAG-3'
Protein context (NP_001070731.1, residues 1-16): MERDS[His6=]GNASPARTPS